The following is an entry in ClinVar:

ClinVar aggregate classification (germline): Uncertain significance (1 of 4 stars; one submission).

Submission:

GeneDx
Classification: Uncertain significance. Last evaluated: 2026-04-23. Review status: criteria provided, single submitter. Criteria: GeneDx Variant Classification Process June 2021. Collection method: clinical testing. Allele origin: germline.
Comment: Not observed at significant frequency in large population cohorts (gnomAD); In-frame deletion of 4 amino acids in a non-repeat region; In silico analysis suggests that this variant does not alter protein structure/function; Has not been previously published as pathogenic or benign to our knowledge

NM_020166.5(MCCC1):c.918_929del (p.Val307_Ala310del)

Gene: MCCC1 (methylcrotonyl-CoA carboxylase subunit 1; minus strand). Cytogenetic location: 3q27.1.
Variant type: Deletion.
Coding change: c.918_929del on transcript NM_020166.5 (MANE Select); coding-DNA positions 918 to 929, 12 bases deleted (AGTCAGAGCTGC).
Protein change: p.Val307_Ala310del.
Molecular consequence: inframe deletion. On other transcripts: non-coding transcript variant (2).
Genome position (GRCh38, 1-based): chr3:183,052,185-183,052,196, GCAGCTCTGACT deleted on the plus strand (AGTCAGAGCTGC on the coding strand, the reverse complement: MCCC1 is on the minus strand); deleting any 12 consecutive bases within chr3:183,052,185-183,052,202 gives the same sequence; the c. name uses the placement nearest the transcript's 3' end. VCF-style (leftmost placement, unchanged base first): chr3-183052184-AGCAGCTCTGACT-A. GRCh37 (hg19) VCF-style: chr3-182769972-AGCAGCTCTGACT-A.
Other names: c.567_578del, p.Val190_Ala193del (NM_001293273.2); c.591_602del, p.Val198_Ala201del (NM_001363880.1).
Identifiers: ClinVar variation 5037633 (VCV005037633.1).